The following is an entry in ClinVar:

NM_001127511.3(APC):c.87C>A (p.Gly29=)

Gene: APC (APC regulator of Wnt signaling pathway; plus strand). Cytogenetic location: 5q22.2.
Variant type: single nucleotide variant.
Coding change: c.87C>A on transcript NM_001127511.3; coding-DNA position 87, C replaced by A.
Protein change: p.Gly29=; no amino-acid change (glycine 29 retained).
Molecular consequence: synonymous variant. On other transcripts: 5 prime UTR variant (8), non-coding transcript variant (1), intron variant (5).
Genome position (GRCh38, 1-based): chr5:112,707,804, C>A. VCF-style: chr5-112707804-C-A. GRCh37 (hg19) VCF-style: chr5-112043501-C-A.
Other names: c.-97C>A (NM_001407452.1, NM_001407456.1, NM_001407460.1 and 3 more transcripts); c.-1132C>A (NM_001407470.1, NM_001407472.1); c.-19+155C>A (NM_001407448.1, NM_001407450.1, NM_001407457.1 and 1 more transcripts); c.-43+155C>A (NM_001407453.1); c.87C>A, p.Gly29= (NM_001354897.2, NM_001354902.2, NM_001407446.1).
Identifiers: ClinVar variation 3048907 (VCV003048907.2), dbSNP rs1750610368, ClinGen allele CA2674863861.

ClinVar aggregate classification (germline): Likely benign (0 of 4 stars; one submission).

Conditions:
APC-related disorder. Also called: APC-related condition.

Submission:

PreventionGenetics, part of Exact Sciences
Classification: Likely benign for APC-related condition. Last evaluated: 2022-11-18. Review status: no assertion criteria provided. Collection method: clinical testing. Allele origin: germline.
Comment: This variant is classified as likely benign based on ACMG/AMP sequence variant interpretation guidelines (Richards et al. 2015 PMID: 25741868, with internal and published modifications).